The following is an entry in ClinVar:

NM_006767.4(LZTR1):c.1234C>T (p.Arg412Cys)

Gene: LZTR1 (leucine zipper like post translational regulator 1; plus strand). Cytogenetic location: 22q11.21.
Variant type: single nucleotide variant.
Coding change: c.1234C>T on transcript NM_006767.4 (MANE Select); coding-DNA position 1234, C replaced by T.
Protein change: p.Arg412Cys; replaces arginine 412 with cysteine.
Molecular consequence: missense variant.
Genome position (GRCh38, 1-based): chr22:20,992,878, C>T. VCF-style: chr22-20992878-C-T. GRCh37 (hg19) VCF-style: chr22-21347167-C-T.
Other names: NM_006767.4(LZTR1):c.1234C>T; p.Arg412Cys; short protein forms R412C.
Identifiers: ClinVar variation 373089 (VCV000373089.65), dbSNP rs747430075, ClinGen allele CA501019.

ClinVar aggregate classification (germline): Pathogenic. Review status: reviewed by expert panel (3 of 4 stars). 20 submissions from 20 submitters: Pathogenic (1). 19 of the submissions do not count toward it. Last evaluated 2025-07-08.

Conditions:
Noonan syndrome 10 (NS10). Identifiers: Orphanet 648, MedGen C4225280, MONDO:0014693, OMIM 616564.
RASopathy. Also called: rasopathies; Noonan spectrum disorder. Identifiers: Orphanet 536391, MedGen C5555857, MONDO:0021060.
LZTR1-related schwannomatosis. Also called: Schwannomatosis 2; Schwannomatosis-2, susceptibility to. Identifiers: Orphanet 93921, MedGen C3810283, MONDO:0014299, OMIM 615670.
Noonan syndrome 2 (NS2). Identifiers: Orphanet 648, MedGen C1854469, MONDO:0011531, OMIM 605275.
Noonan syndrome and Noonan-related syndrome. Identifiers: Orphanet 98733, MedGen C5681679, MONDO:0020297.
LZTR1-related disorder. Also called: LZTR1-related disorders; LZTR1-related condition.
Hereditary cancer-predisposing syndrome. Also called: Tumor predisposition; Neoplastic Syndromes, Hereditary; Hereditary neoplastic syndrome; Hereditary Cancer Syndrome. Identifiers: Orphanet 140162, MedGen C0027672, MeSH D009386, MONDO:0015356.
Cardiovascular phenotype. Identifiers: MedGen CN230736.
Non-immune hydrops fetalis (NIHF). Also called: Idiopathic hydrops fetalis; Familial non-immune hydrops fetalis; Fetal edema. Identifiers: Orphanet 363999, MedGen C0455988, MONDO:0009369, OMIM 236750, HP:0001790.

Allele frequency attached by ClinVar (database versions not stated): gnomAD exomes below 0.00001; ExAC 0.00001.

Submissions 1 to 8 of 20:

ClinGen RASopathy Variant Curation Expert Panel
Classification: Pathogenic for RASopathy. Last evaluated: 2025-07-08. Review status: reviewed by expert panel. Criteria: ClinGen RASopathy ACMG Specifications LZTR1 V1.3.0. Collection method: curation. Allele origin: germline. Inheritance: Autosomal dominant inheritance.
Comment: The NM_006767.4:c.1234C>T (p.Arg412Cys) variant in LZTR1 is a missense variant predicted to cause substitution of arginine by cysteine at amino acid 412. Evidence supports that this variant is associated with autosomal dominant Noonan Syndrome and is not associated with autosomal recessive Noonan Syndrome. The highest population minor allele frequency in gnomAD v2.1.1 is 0.00003850 (1/25972 alleles) in the Ashkenazi Jewish population (PM2_Supporting, BS1, and BA1 are not met). The computational predictor REVEL gives a score of 0.351, which is neither above nor below the thresholds predicting a damaging or benign impact on LZTR1 function (no codes met). This variant has been reported in 7 with features of RASopathy that are included in this curation (PS4; > 5.0 pts.; PMID: 32981126; GeneDx (SCV000491652), Prevention Genetics (SCV004118816), and Genome Diagnostics Laboratory (Hospital for Sick Children; SCV002060883) internal data). This variant has been identified as de novo with confirmed parental relationships in 2 probands included in this curation (PS2_VeryStrong, > 4.0 pts.; Genome Diagnostics Laboratory (Hospital for Sick Children; SCV002060883) and GeneDx (SCV000491652) internal data). More cases are available, but the thresholds to apply PS4 and PS2 at the strongest levels have already been met. A heterozygous knock-in mouse model of this mutation showed, in addition to death of 75 % of mice by 2 years of age, that the mutants had reduced body lengths and weights compared to the wild-type before 10 weeks old. The mutant mice also had facial and skeletal anomalies, including smaller and more round skulls, abnormal snouts, and hypertelorism, as well as splenomegaly and renal hypertrophy, features consistent with other mouse models of RASopathies (PMID: 39352760). However, PS3 was not applied as it is not currently in the guidelines for LZTR1 variants. In summary, this variant meets the criteria to be classified as pathogenic for autosomal dominant RASopathy based on the ACMG/AMP criteria applied, as specified by the ClinGen RASopathy VCEP: PS4, PS2_VeryStrong (RASopathy VCEP specifications version 1.3.0; 7/8/2025).

CeGaT Center for Human Genetics Tuebingen
Classification: Likely pathogenic. Last evaluated: 2026-09-01. Review status: criteria provided, single submitter. Criteria: CeGaT Center For Human Genetics Tuebingen Variant Classification Criteria Version 2. Collection method: clinical testing. Allele origin: germline. Affected: yes. Observed: 4 variant alleles. Not counted in ClinVar's aggregate classification.
Comment: LZTR1: PS2, PS4:Moderate, PM2:Supporting, PS3:Supporting

Institute of Medical Genetics and Applied Genomics, University Hospital Tübingen
Classification: Pathogenic for Noonan syndrome 10. Last evaluated: 2026-07-30. Review status: criteria provided, single submitter. Criteria: ACMG Guidelines, 2015. Collection method: clinical testing. Allele origin: germline. Inheritance: Autosomal dominant inheritance. Affected: yes. Not counted in ClinVar's aggregate classification.

PreventionGenetics, part of Exact Sciences
Classification: Pathogenic for LZTR1-related condition. Last evaluated: 2026-02-09. Review status: criteria provided, single submitter. Criteria: ACMG Guidelines, 2015. Collection method: clinical testing. Allele origin: germline. Not counted in ClinVar's aggregate classification.
Comment: The LZTR1 c.1234C>T variant is predicted to result in the amino acid substitution p.Arg412Cys. This has been reported in several individuals with features consistent for autosomal dominant Noonan syndrome (NS) and a de novo occurrence has been documented (Table S1, Dempsey et al. 2020. PubMed ID: 32981126; Unuma et al. 2023. PubMed ID: 37143668; Quaio et al. 2020. PubMed ID: 33258288). At PreventionGenetics, this variant has been detected in multiple individuals with phenotypes overlapping Noonan syndrome/RASopathies and confirmed de novo in at least one case (Internal Data). In addition, a mouse model with this variant was found to have features similar to Noonan syndrome (Abe et al. 2024. PMID: 39352760). This variant is reported in 0.010% of alleles in individuals of Ashkenazi Jewish descent in gnomAD and has been classified as pathogenic for autosomal dominant Noonan Syndrome by the ClinGen RASopathy expert variant curation panel (Variation ID: 373089). Based on this evidence, we classify this variant as pathogenic.

Institute of Human Genetics, University of Leipzig Medical Center
Classification: Pathogenic for Noonan syndrome 10. Last evaluated: 2026-01-15. Review status: criteria provided, single submitter. Criteria: ACMG Guidelines, 2015. Collection method: clinical testing. Allele origin: de novo. Inheritance: Autosomal dominant inheritance. Affected: yes. Not counted in ClinVar's aggregate classification.
Comment: Criteria applied: PS2_VSTR,PS4

Labcorp Genetics (formerly Invitae), Labcorp
Classification: Pathogenic. Last evaluated: 2025-12-21. Review status: criteria provided, single submitter. Criteria: Invitae Variant Classification Sherloc (09022015). Collection method: clinical testing. Allele origin: germline. Not counted in ClinVar's aggregate classification.
Comment: This sequence change replaces arginine, which is basic and polar, with cysteine, which is neutral and slightly polar, at codon 412 of the LZTR1 protein (p.Arg412Cys). The frequency data for this variant in the population databases is considered unreliable, as metrics indicate poor data quality at this position in the gnomAD database. This missense change has been observed in individual(s) with clinical features of Noonan syndrome (PMID: 32981126, 33258288; internal data). In at least one individual the variant was observed to be de novo. ClinVar contains an entry for this variant (Variation ID: 373089). Invitae Evidence Modeling of protein sequence and biophysical properties (such as structural, functional, and spatial information, amino acid conservation, physicochemical variation, residue mobility, and thermodynamic stability) indicates that this missense variant is not expected to disrupt LZTR1 protein function with a negative predictive value of 80%. This variant disrupts the p.Arg412 amino acid residue in LZTR1. Other variant(s) that disrupt this residue have been determined to be pathogenic (internal data). This suggests that this residue is clinically significant, and that variants that disrupt this residue are likely to be disease-causing. For these reasons, this variant has been classified as Pathogenic.

Mayo Clinic Laboratories, Mayo Clinic
Classification: Likely pathogenic. Last evaluated: 2025-11-22. Review status: criteria provided, single submitter. Criteria: ACMG Guidelines, 2015. Collection method: clinical testing. Allele origin: germline. Observed: 1 variant allele. Not counted in ClinVar's aggregate classification.
Comment: PS3, PS4_moderate

Clinical Genomics Laboratory, Washington University in St. Louis
Classification: Uncertain significance for Noonan syndrome 2; Noonan syndrome 10. Last evaluated: 2025-03-11. Review status: criteria provided, single submitter. Criteria: ACMG Guidelines, 2015. Collection method: clinical testing. Allele origin: germline. Not counted in ClinVar's aggregate classification.
Comment: An LZTR1 c.1234C>T(p.Arg412Cys) variant was identified at an allelic fraction consistent with somatic origin. To our knowledge, this variant has not been reported in the literature in a somatic state. This variant has been reported in the germline state in two individuals in the literature with Noonan syndrome and has conflicting classifications (variant of uncertain significance and likely pathogenic) (Boleti OD et al., PMID: 37777071; Unuma K et al., PMID: 37143668). It has been classified in the ClinVar database as a variant of uncertain significance by numerous submitters, including the ClinGen RASopathy Variant Curation Expert Panel (ClinVar ID 373089). The LZTR1 c.1234C>T(p.Arg412Cys) variant is only observed in 3/1,607,750 alleles in the general population (gnomAD v4.1.0. Computational predictors are uncertain as to the impact of this variant on LZTR1 function. Due to limited information, and based on ACMG/AMP guidelines for variant interpretation (Richards S et al., PMID: 25741868), the clinical significance of this variant is uncertain at this time.